The following is an entry in ClinVar:

NM_201384.3(PLEC):c.1228G>A (p.Glu410Lys)

Genes: PLEC (plectin; minus strand), LOC130001334 (ATAC-STARR-seq lymphoblastoid silent region 19628; plus strand). Cytogenetic location: 8q24.3.
Variant type: single nucleotide variant.
Coding change: c.1228G>A on transcript NM_201384.3 (MANE Select); coding-DNA position 1228, G replaced by A.
Protein change: p.Glu410Lys; replaces glutamic acid 410 with lysine.
Molecular consequence: missense variant.
Genome position (GRCh38, 1-based): chr8:143,934,033, C>T on the plus strand (G>A on the coding strand, the complement: PLEC is on the minus strand). VCF-style: chr8-143934033-C-T. GRCh37 (hg19) VCF-style: chr8-145008201-C-T.
Other names: c.1309G>A, p.Glu437Lys (NM_000445.5); c.1186G>A, p.Glu396Lys (NM_201378.4); c.1162G>A, p.Glu388Lys (NM_201379.3); c.1639G>A, p.Glu547Lys (NM_201380.4); c.1132G>A, p.Glu378Lys (NM_201381.3); c.1228G>A, p.Glu410Lys (NM_201382.4); c.1240G>A, p.Glu414Lys (NM_201383.3); short protein forms E388K, E414K, E378K, E396K, E547K, E410K, E437K.
Identifiers: ClinVar variation 940135 (VCV000940135.7), dbSNP rs1828207867, ClinGen allele CA372583982.

ClinVar aggregate classification (germline): Uncertain significance (1 of 4 stars; one submission).

Conditions:
Epidermolysis bullosa simplex 5B, with muscular dystrophy (EBS5B). Also called: EPIDERMOLYSIS BULLOSA SIMPLEX AND LIMB-GIRDLE MUSCULAR DYSTROPHY; Epidermolysis bullosa simplex with muscular dystrophy. Identifiers: Orphanet 257, MedGen C2931072, MONDO:0009181, OMIM 226670.
Epidermolysis bullosa simplex, Ogna type (EBS5A). Also called: Pidermolysis bullosa simplex 5A, Ogna type; EPIDERMOLYSIS BULLOSA SIMPLEX 5A, OGNA TYPE. Identifiers: Orphanet 79401, MedGen C0432317, MONDO:0007555, OMIM 131950.
Epidermolysis bullosa simplex 5C, with pyloric atresia (EBS5C). Also called: Epidermolysis bullosa simplex with pyloric atresia; PLEC-Related Epidermolysis Bullosa with Pyloric Atresia; PLEC1-Related Epidermolysis Bullosa with Pyloric Atresia. Identifiers: Orphanet 158684, MedGen C2677349, MONDO:0012807, OMIM 612138.
Epidermolysis bullosa simplex with nail dystrophy (EBS5D). Identifiers: MedGen C4225309, MONDO:0014661, OMIM 616487.
Autosomal recessive limb-girdle muscular dystrophy type 2Q (LGMDR17). Also called: MUSCULAR DYSTROPHY, LIMB-GIRDLE, AUTOSOMAL RECESSIVE 17. Identifiers: Orphanet 254361, MedGen C3150989, MONDO:0013390, OMIM 613723.

Allele frequency attached by ClinVar (database versions not stated): gnomAD exomes below 0.00001.
gnomAD v4.1: 3 of 1,611,490 alleles (0.00019%); highest among the groups gnomAD compares: Non-Finnish European, 0.00017%; no homozygotes.

Submission:

Labcorp Genetics (formerly Invitae), Labcorp
Classification: Uncertain significance for Autosomal recessive limb-girdle muscular dystrophy type 2Q; Epidermolysis bullosa simplex, Ogna type; Epidermolysis bullosa simplex with nail dystrophy; Epidermolysis bullosa simplex 5C, with pyloric atresia; Epidermolysis bullosa simplex 5B, with muscular dystrophy. Last evaluated: 2019-10-29. Review status: criteria provided, single submitter. Criteria: Invitae Variant Classification Sherloc (09022015). Collection method: clinical testing. Allele origin: germline.
Comment: This sequence change replaces glutamic acid with lysine at codon 437 of the PLEC protein (p.Glu437Lys). The glutamic acid residue is highly conserved and there is a small physicochemical difference between glutamic acid and lysine. This variant is not present in population databases (ExAC no frequency). This variant has not been reported in the literature in individuals with PLEC-related conditions. Algorithms developed to predict the effect of missense changes on protein structure and function are either unavailable or do not agree on the potential impact of this missense change (SIFT: "Deleterious"; PolyPhen-2: "Not Available"; Align-GVGD: "Class C55"). In summary, the available evidence is currently insufficient to determine the role of this variant in disease. Therefore, it has been classified as a Variant of Uncertain Significance.